The following is an entry in ClinVar:

NM_021076.4(NEFH):c.456G>C (p.Glu152Asp)

Gene: NEFH (neurofilament heavy chain; plus strand). Cytogenetic location: 22q12.2.
Variant type: single nucleotide variant.
Coding change: c.456G>C on transcript NM_021076.4 (MANE Select); coding-DNA position 456, G replaced by C.
Protein change: p.Glu152Asp; replaces glutamic acid 152 with aspartic acid.
Molecular consequence: missense variant.
Genome position (GRCh38, 1-based): chr22:29,480,718, G>C. VCF-style: chr22-29480718-G-C. GRCh37 (hg19) VCF-style: chr22-29876707-G-C.
Other names: short protein forms E152D.
Identifiers: ClinVar variation 722760 (VCV000722760.10), dbSNP rs774792100, ClinGen allele CA10174020.

ClinVar aggregate classification (germline): Likely benign. Review status: criteria provided, single submitter (1 of 4 stars). 2 submissions from 2 submitters: Likely benign (1). 1 of the submissions does not count toward it. Last evaluated 2025-07-31.

Conditions:
NEFH-related disorder. Also called: NEFH-related condition.

Allele frequency attached by ClinVar (database versions not stated): gnomAD 0.00011; TOPMed 0.00012; 1000 Genomes Project 30x 0.00016; ExAC 0.00027; gnomAD exomes 0.00037.
gnomAD v4.1: 90 of 1,510,516 alleles (0.006%); highest among the groups gnomAD compares: East Asian, 0.18%; no homozygotes.

Submissions (2):

Labcorp Genetics (formerly Invitae), Labcorp
Classification: Likely benign. Last evaluated: 2025-07-31. Review status: criteria provided, single submitter. Criteria: Invitae Variant Classification Sherloc (09022015). Collection method: clinical testing. Allele origin: germline.

PreventionGenetics, part of Exact Sciences
Classification: Likely benign for NEFH-related condition. Last evaluated: 2024-01-10. Review status: no assertion criteria provided. Collection method: clinical testing. Allele origin: germline. Not counted in ClinVar's aggregate classification.
Comment: This variant is classified as likely benign based on ACMG/AMP sequence variant interpretation guidelines (Richards et al. 2015 PMID: 25741868, with internal and published modifications).